The following is an entry in ClinVar:

NM_001009944.3(PKD1):c.8003_8006dup (p.Gln2670fs)

Gene: PKD1 (polycystin 1, transient receptor potential channel interacting; minus strand). Cytogenetic location: 16p13.3.
Variant type: Duplication.
Coding change: c.8003_8006dup on transcript NM_001009944.3 (MANE Select); coding-DNA positions 8003 to 8006, 4 bases duplicated (TGGC; older notation c.8003_8006dupTGGC).
Protein change: p.Gln2670fs; shifts the reading frame from glutamine 2670.
Molecular consequence: frameshift variant.
Genome position (GRCh38, 1-based): chr16:2,105,332-2,105,335, GCCA duplicated on the plus strand (TGGC on the coding strand, the reverse complement: PKD1 is on the minus strand); duplicating any 4 consecutive bases within chr16:2,105,332-2,105,337 gives the same sequence; the c. name uses the placement nearest the transcript's 3' end. VCF-style (leftmost placement, unchanged base first): chr16-2105331-G-GGCCA. GRCh37 (hg19) VCF-style: chr16-2155332-G-GGCCA.
Other names: c.8003_8006dup, p.Gln2670fs (NM_000296.4); c.8003_8006dupTGGC (NM_001009944.3); short protein forms Q2670fs.
Identifiers: ClinVar variation 4526115 (VCV004526115.1).
Genomic context (GRCh38, chr16:2,105,331, plus strand): 5'-CAGTGCCCTGGCAGGCATGCGGGGCAGGGTGAGCAGGTGGGGCCATCCTACCATGCACTG[G>GGCCA]GCCAGCGCAGCAGCGATCTGCTGGATGTCATCCACAGTGTGGACCCTCAGGGACACCAGA-3'

ClinVar aggregate classification (germline): Pathogenic (1 of 4 stars; one submission).

Conditions:
Polycystic kidney disease, adult type (PKD1). Also called: Polycystic Kidney, Autosomal Dominant; POLYCYSTIC KIDNEY DISEASE, ADULT, TYPE I; Polycystic Kidney Disease 1, Autosomal Dominant; Polycystic kidney disease 1; Polycystic kidney disease 1, severe; POLYCYSTIC KIDNEY DISEASE 1 WITH OR WITHOUT POLYCYSTIC LIVER DISEASE. Identifiers: MedGen C3149841, MONDO:0008263, OMIM 173900.

Submission:

Women's Health and Genetics/Laboratory Corporation of America, LabCorp
Classification: Pathogenic for Polycystic kidney disease, adult type. Last evaluated: 2025-07-07. Review status: criteria provided, single submitter. Criteria: LabCorp Variant Classification Summary - May 2015. Collection method: clinical testing. Allele origin: germline.
Comment: Variant summary: PKD1 c.8003_8006dupTGGC (p.Gln2670GlyfsX153) results in a premature termination codon, predicted to cause a truncation of the encoded protein or absence of the protein due to nonsense mediated decay, which are commonly known mechanisms for disease. The variant was absent in 225188 control chromosomes. To our knowledge, no occurrence of c.8003_8006dupTGGC in individuals affected with Polycystic Kidney Disease 1 and no experimental evidence demonstrating its impact on protein function have been reported. No submitters have cited clinical-significance assessments for this variant to ClinVar. Based on the evidence outlined above, the variant was classified as pathogenic.